The following is an entry in ClinVar:

ClinVar aggregate classification (germline): Conflicting classifications of pathogenicity. Review status: criteria provided, conflicting classifications (1 of 4 stars). 10 submissions from 10 submitters: Uncertain significance (8); Likely benign (2). Last evaluated 2025-09-11.

Conditions:
BRCA2-related cancer predisposition. Identifiers: MedGen CN377758, MONDO:0700269.
Hereditary cancer-predisposing syndrome. Also called: Hereditary neoplastic syndrome; Hereditary Cancer Syndrome; Neoplastic Syndromes, Hereditary; Tumor predisposition. Identifiers: Orphanet 140162, MedGen C0027672, MeSH D009386, MONDO:0015356.
Breast-ovarian cancer, familial, susceptibility to, 2 (BROVCA2). Also called: BRCA2 Hereditary Breast and Ovarian Cancer. Identifiers: Orphanet 145, MedGen C2675520, MONDO:0012933, OMIM 612555. Disease mechanism: loss of function.
Hereditary breast ovarian cancer syndrome. Also called: Hereditary breast and ovarian cancer syndrome; BRCA1- and BRCA2-Associated Hereditary Breast and Ovarian Cancer; Hereditary breast and/or ovarian cancer syndrome; Hereditary breast and ovarian cancer; Breast and ovarian cancer; Hereditary breast and ovarian cancer syndrome (HBOC). Identifiers: Orphanet 145, MedGen C0677776, MeSH D061325, MONDO:0003582. Disease mechanism: loss of function.
Familial cancer of breast. Also called: hereditary breast carcinoma; Hereditary breast cancer; BREAST CANCER, FAMILIAL. Identifiers: Orphanet 227535, MedGen C0346153, MONDO:0016419, OMIM 114480. Disease mechanism: loss of function.

Allele frequency attached by ClinVar (database versions not stated): TOPMed 0.00001; gnomAD 0.00001.
gnomAD v4.1: 1 of 1,614,038 alleles (0.000062%); highest among the groups gnomAD compares: Admixed American, 0.0017%; no homozygotes.

Submissions (10):

Labcorp Genetics (formerly Invitae), Labcorp
Classification: Uncertain significance for Hereditary breast ovarian cancer syndrome. Last evaluated: 2025-09-11. Review status: criteria provided, single submitter. Criteria: Invitae Variant Classification Sherloc (09022015). Collection method: clinical testing. Allele origin: germline.
Comment: This sequence change replaces glutamic acid, which is acidic and polar, with glycine, which is neutral and non-polar, at codon 2903 of the BRCA2 protein (p.Glu2903Gly). This variant is not present in population databases (gnomAD no frequency). This variant has not been reported in the literature in individuals affected with BRCA2-related conditions. ClinVar contains an entry for this variant (Variation ID: 419320). Invitae Evidence Modeling of protein sequence and biophysical properties (such as structural, functional, and spatial information, amino acid conservation, physicochemical variation, residue mobility, and thermodynamic stability) indicates that this missense variant is not expected to disrupt BRCA2 protein function with a negative predictive value of 95%. In summary, the available evidence is currently insufficient to determine the role of this variant in disease. Therefore, it has been classified as a Variant of Uncertain Significance.

Ambry Genetics
Classification: Likely benign for Hereditary cancer-predisposing syndrome. Last evaluated: 2025-05-15. Review status: criteria provided, single submitter. Criteria: Ambry Variant Classification Scheme 2023. Collection method: clinical testing. Allele origin: germline.

Myriad Genetics, Inc.
Classification: Likely benign for Breast-ovarian cancer, familial, susceptibility to, 2. Last evaluated: 2024-10-30. Review status: criteria provided, single submitter. Criteria: Myriad Autosomal Dominant, Autosomal Recessive and X-Linked Classification Criteria (2023). Collection method: clinical testing. Allele origin: unknown.
Comment: This variant is considered likely benign. This variant is strongly associated with less severe personal and family histories of cancer, typical for individuals without pathogenic variants in this gene [PMID: 25085752].

All of Us Research Program, National Institutes of Health
Classification: Uncertain significance for BRCA2-related cancer predisposition. Last evaluated: 2024-08-06. Review status: criteria provided, single submitter. Criteria: ACMG Guidelines, 2015. Collection method: clinical testing. Allele origin: germline. Inheritance: Autosomal dominant inheritance. Observed: 2 variant alleles, 2 heterozygotes.
Comment: This study involves interpretation of variants in research participants for the purpose of population health screening. Participant phenotype was not available at the time of variant classification. Additional details can be found in publication PMID: 35346344, PMCID: PMC8962531

Baylor Genetics
Classification: Uncertain significance for Familial cancer of breast. Last evaluated: 2024-03-04. Review status: criteria provided, single submitter. Criteria: ACMG Guidelines, 2015. Collection method: clinical testing. Allele origin: unknown.

Color Diagnostics, LLC DBA Color Health
Classification: Uncertain significance for Hereditary cancer-predisposing syndrome. Last evaluated: 2023-12-04. Review status: criteria provided, single submitter. Criteria: ACMG Guidelines, 2015. Collection method: clinical testing. Allele origin: germline.
Comment: This missense variant replaces glutamic acid with glycine at codon 2903 of the BRCA2 protein. Computational prediction suggests that this variant may not impact protein structure and function (internally defined REVEL score threshold <= 0.5, PMID: 27666373). To our knowledge, functional studies have not been reported for this variant. This variant has not been reported in individuals affected with BRCA2-related disorders in the literature. This variant has not been identified in the general population by the Genome Aggregation Database (gnomAD). The available evidence is insufficient to determine the role of this variant in disease conclusively. Therefore, this variant is classified as a Variant of Uncertain Significance.

Quest Diagnostics Nichols Institute San Juan Capistrano
Classification: Uncertain significance. Last evaluated: 2023-08-21. Review status: criteria provided, single submitter. Criteria: Quest Diagnostics criteria. Collection method: clinical testing. Allele origin: unknown.
Comment: In the published literature, this variant has been reported to be located in a region of the BRCA2 gene that is tolerant to missense sequence changes (PMID: 31911673 (2020)). This variant has not been reported in individuals with BRCA2-related disorders. The frequency of this variant in the general population, 0.000065 (1/15274 chromosomes (Genome Aggregation Database)), is uninformative in the assessment of its pathogenicity. Analysis of this variant using bioinformatics tools for the prediction of the effect of amino acid changes on protein structure and function yielded conflicting predictions that this variant is benign or damaging. Based on the available information, we are unable to determine the clinical significance of this variant.

Women's Health and Genetics/Laboratory Corporation of America, LabCorp
Classification: Uncertain significance. Last evaluated: 2022-12-15. Review status: criteria provided, single submitter. Criteria: LabCorp Variant Classification Summary - May 2015. Collection method: clinical testing. Allele origin: germline.

St. Jude Molecular Pathology, St. Jude Children's Research Hospital
Classification: Uncertain significance for Hereditary breast ovarian cancer syndrome. Last evaluated: 2021-08-26. Review status: criteria provided, single submitter. Criteria: St. Jude Assertion Criteria 2020. Collection method: clinical testing. Allele origin: germline.

GeneDx
Classification: Uncertain significance. Last evaluated: 2015-07-01. Review status: criteria provided, single submitter. Criteria: GeneDx Variant Classification (06012015). Collection method: clinical testing. Allele origin: germline. Affected: yes.
Comment: This variant is denoted BRCA2 c.8708A>G at the cDNA level, p.Glu2903Gly (E2903G) at the protein level, and results in the change of a Glutamic Acid to a Glycine (GAG>GGG). Using alternate nomenclature, this variant would be defined as BRCA2 8936A>G. This variant has not, to our knowledge, been published in the literature as pathogenic or benign. BRCA2 Glu2903Gly was not observed in approximately 6,500 individuals of European and African American ancestry in the NHLBI Exome Sequencing Project, indicating it is not a common benign variant in these populations. Since Glutamic Acid and Glycine differ in polarity, charge, size or other properties, this is considered a non-conservative amino acid substitution. BRCA2 Glu2903Gly occurs at a position where amino acids with properties similar to Glutamic Acid are tolerated across species and is located in the DNA binding domain (Borg 2010). In silico analyses are inconsistent regarding the effect this variant may have on protein structure and function. Based on currently available information, it is unclear whether BRCA2 Glu2903Gly is pathogenic or benign. We consider it to be a variant of uncertain significance.

Literature cited by the submitters: PubMed 25085752 (cited by Myriad Genetics, Inc.); PubMed 31911673 (cited by Quest Diagnostics Nichols Institute San Juan Capistrano).

NM_000059.4(BRCA2):c.8708A>G (p.Glu2903Gly)

Gene: BRCA2 (BRCA2 DNA repair associated; plus strand). Cytogenetic location: 13q13.1.
Variant type: single nucleotide variant.
Coding change: c.8708A>G on transcript NM_000059.4 (MANE Select); coding-DNA position 8708, A replaced by G.
Protein change: p.Glu2903Gly; replaces glutamic acid 2903 with glycine.
Molecular consequence: missense variant.
Genome position (GRCh38, 1-based): chr13:32,376,745, A>G. VCF-style: chr13-32376745-A-G. GRCh37 (hg19) VCF-style: chr13-32950882-A-G.
Other names: short protein forms E2903G.
Identifiers: ClinVar variation 419320 (VCV000419320.25), dbSNP rs730881566, ClinGen allele CA16619782.
Genomic context (GRCh38, chr13:32,376,745, plus strand): 5'-CATATTTACCATCACGTGCACTAACAAGACAGCAAGTTCGTGCTTTGCAAGATGGTGCAG[A>G]GCTTTATGAAGCAGTGAAGAATGCAGCAGACCCAGCTTACCTTGAGGTGAGAGAGTAAGA-3'
Protein context (NP_000050.3, residues 2893-2913): QQVRALQDGA[Glu2903Gly]LYEAVKNAAD